The following is an entry in ClinVar:

ClinVar aggregate classification (germline): Uncertain significance (1 of 4 stars; one submission).

Conditions:
Hereditary cancer-predisposing syndrome. Also called: Tumor predisposition; Neoplastic Syndromes, Hereditary; Hereditary neoplastic syndrome; Hereditary Cancer Syndrome. Identifiers: Orphanet 140162, MedGen C0027672, MeSH D009386, MONDO:0015356.

Submission:

Ambry Genetics
Classification: Uncertain significance for Hereditary cancer-predisposing syndrome. Last evaluated: 2025-08-27. Review status: criteria provided, single submitter. Criteria: Ambry Variant Classification Scheme 2023. Collection method: clinical testing. Allele origin: germline.
Comment: The p.A46S variant (also known as c.136G>T), located in coding exon 2 of the MUTYH gene, results from a G to T substitution at nucleotide position 136. The alanine at codon 46 is replaced by serine, an amino acid with similar properties. This amino acid position is conserved. In addition, this alteration is predicted to be tolerated by in silico analysis. Based on the available evidence, the clinical significance of this variant remains unclear.

NM_001048174.2(MUTYH):c.94G>T (p.Ala32Ser)

Gene: MUTYH (mutY DNA glycosylase; minus strand). Cytogenetic location: 1p34.1.
Variant type: single nucleotide variant.
Coding change: c.94G>T on transcript NM_001048174.2 (MANE Select); coding-DNA position 94, G replaced by T.
Protein change: p.Ala32Ser; replaces alanine 32 with serine.
Molecular consequence: missense variant. On other transcripts: 5 prime UTR variant (7), non-coding transcript variant (7).
Genome position (GRCh38, 1-based): chr1:45,334,412, C>A on the plus strand (G>T on the coding strand, the complement: MUTYH is on the minus strand). VCF-style: chr1-45334412-C-A. GRCh37 (hg19) VCF-style: chr1-45800084-C-A.
Other names: c.94G>T, p.Ala32Ser (NM_001048171.2, NM_001048172.2, NM_001048173.2 and 15 more transcripts); c.136G>T, p.Ala46Ser (NM_001128425.2, NM_001293190.2, NM_001407069.1 and 2 more transcripts); c.-119G>T (NM_001293192.2, NM_001293196.2, NM_001407091.1); c.-178G>T (NM_001350650.2); c.-114G>T (NM_001350651.2, NM_001407082.1); c.-63G>T (NM_001407075.1); c.112G>T, p.Ala38Ser (NM_001407087.1); short protein forms A32S, A38S, A46S.
Identifiers: ClinVar variation 4113196 (VCV004113196.1).